The following is an entry in ClinVar:

ClinVar aggregate classification (germline): Pathogenic (1 of 4 stars; one submission).

Conditions:
Neurodevelopmental disorder with hypotonia, facial dysmorphism, and brain abnormalities (NEDHFBA). Also called: EL-HATTAB-SCHMIDTS SYNDROME; PPP1R21-Related El-Hattab-Schmidts Syndrome. Identifiers: MedGen C5543591, MONDO:0859165, OMIM 619383.

Submission:

Women's Health and Genetics/Laboratory Corporation of America, LabCorp
Classification: Pathogenic for Neurodevelopmental disorder with hypotonia, facial dysmorphism, and brain abnormalities. Last evaluated: 2023-10-24. Review status: criteria provided, single submitter. Criteria: LabCorp Variant Classification Summary - May 2015. Collection method: clinical testing. Allele origin: germline.
Comment: Variant summary: PPP1R21 c.1868C>G (p.Ser623X) results in a premature termination codon, predicted to cause a truncation of the encoded protein or absence of the protein due to nonsense mediated decay, which are commonly known mechanisms for disease (PMID: 30520571). The variant was absent in 251484 control chromosomes. To our knowledge, no occurrence of c.1868C>G in individuals affected with Neurodevelopmental Disorder With Hypotonia, Facial Dysmorphism, And Brain Abnormalities and no experimental evidence demonstrating its impact on protein function have been reported. No submitters have cited clinical-significance assessments for this variant to ClinVar after 2014. Based on the evidence outlined above, the variant was classified as pathogenic.

NM_001135629.3(PPP1R21):c.1868C>G (p.Ser623Ter)

Gene: PPP1R21 (protein phosphatase 1 regulatory subunit 21; plus strand). Cytogenetic location: 2p16.3.
Variant type: single nucleotide variant.
Coding change: c.1868C>G on transcript NM_001135629.3 (MANE Select); coding-DNA position 1868, C replaced by G.
Protein change: p.Ser623Ter; replaces serine 623 with a stop codon.
Molecular consequence: nonsense. On other transcripts: non-coding transcript variant (1).
Genome position (GRCh38, 1-based): chr2:48,498,668, C>G. VCF-style: chr2-48498668-C-G. GRCh37 (hg19) VCF-style: chr2-48725807-C-G.
Other names: c.1775C>G, p.Ser592Ter (NM_001193475.2); c.1868C>G, p.Ser623Ter (NM_152994.5); short protein forms S592*, S623*.
Identifiers: ClinVar variation 2637432 (VCV002637432.1), dbSNP rs370271261, ClinGen allele CA346735555.